The following is an entry in ClinVar:

ClinVar aggregate classification (germline): Likely benign (0 of 4 stars; one submission).

Conditions:
ARX-related disorder. Also called: ARX-Related Disorders; ARX-related condition. Identifiers: MedGen CN378769.

Submission:

PreventionGenetics, part of Exact Sciences
Classification: Likely benign for ARX-related condition. Last evaluated: 2023-04-26. Review status: no assertion criteria provided. Collection method: clinical testing. Allele origin: germline.
Comment: This variant is classified as likely benign based on ACMG/AMP sequence variant interpretation guidelines (Richards et al. 2015 PMID: 25741868, with internal and published modifications).

NM_139058.3(ARX):c.594C>G (p.Val198=)

Gene: ARX (aristaless related homeobox; minus strand). Cytogenetic location: Xp21.3.
Variant type: single nucleotide variant.
Coding change: c.594C>G on transcript NM_139058.3 (MANE Select); coding-DNA position 594, C replaced by G.
Protein change: p.Val198=; no amino-acid change (valine 198 retained).
Molecular consequence: synonymous variant.
Genome position (GRCh38, 1-based): chrX:25,013,401, G>C on the plus strand (C>G on the coding strand, the complement: ARX is on the minus strand). VCF-style: chrX-25013401-G-C. GRCh37 (hg19) VCF-style: chrX-25031518-G-C.
Identifiers: ClinVar variation 3045687 (VCV003045687.2), dbSNP rs2519106990, ClinGen allele CA515948141.